The following is an entry in ClinVar:

NM_012431.3(SEMA3E):c.316A>G (p.Ile106Val)

Gene: SEMA3E (semaphorin 3E; minus strand). Cytogenetic location: 7q21.11.
Variant type: single nucleotide variant.
Coding change: c.316A>G on transcript NM_012431.3 (MANE Select); coding-DNA position 316, A replaced by G.
Protein change: p.Ile106Val; replaces isoleucine 106 with valine.
Molecular consequence: missense variant.
Genome position (GRCh38, 1-based): chr7:83,469,263, T>C on the plus strand (A>G on the coding strand, the complement: SEMA3E is on the minus strand). VCF-style: chr7-83469263-T-C. GRCh37 (hg19) VCF-style: chr7-83098579-T-C.
Other names: c.136A>G, p.Ile46Val (NM_001178129.2); c.316A>G (NM_012431.2); short protein forms I46V, I106V.
Identifiers: ClinVar variation 2044481 (VCV002044481.6), dbSNP rs887159344, ClinGen allele CA161172637.

ClinVar aggregate classification (germline): Uncertain significance. Review status: criteria provided, multiple submitters, no conflicts (2 of 4 stars). 2 submissions from 2 submitters: Uncertain significance (2). Last evaluated 2025-09-15.

Conditions:
SEMA3E-related disorder. Also called: SEMA3E-related condition.
CHARGE syndrome (CHARGE). Also called: Hittner Hirsch Kreh syndrome; CHARGE ASSOCIATION--COLOBOMA, HEART ANOMALY, CHOANAL ATRESIA, RETARDATION, GENITAL AND EAR ANOMALIES; Coloboma, heart anomaly, choanal atresia, retardation, genital and ear anomalies; CHARGE association; Hall-Hittner syndrome. Identifiers: Orphanet 138, MedGen C0265354, MONDO:0008965.

Allele frequency attached by ClinVar (database versions not stated): gnomAD exomes 0.00002; gnomAD 0.00004; TOPMed 0.00005.
gnomAD v4.1: 34 of 1,611,116 alleles (0.0021%); highest among the groups gnomAD compares: African/African-American, 0.013%; no homozygotes.

Submissions (2):

Labcorp Genetics (formerly Invitae), Labcorp
Classification: Uncertain significance for CHARGE syndrome. Last evaluated: 2025-09-15. Review status: criteria provided, single submitter. Criteria: Invitae Variant Classification Sherloc (09022015). Collection method: clinical testing. Allele origin: germline.
Comment: This sequence change replaces isoleucine, which is neutral and non-polar, with valine, which is neutral and non-polar, at codon 106 of the SEMA3E protein (p.Ile106Val). This variant is present in population databases (no rsID available, gnomAD 0.004%). This variant has not been reported in the literature in individuals affected with SEMA3E-related conditions. ClinVar contains an entry for this variant (Variation ID: 2044481). Invitae Evidence Modeling of protein sequence and biophysical properties (such as structural, functional, and spatial information, amino acid conservation, physicochemical variation, residue mobility, and thermodynamic stability) indicates that this missense variant is not expected to disrupt SEMA3E protein function with a negative predictive value of 80%. In summary, the available evidence is currently insufficient to determine the role of this variant in disease. Therefore, it has been classified as a Variant of Uncertain Significance.

PreventionGenetics, part of Exact Sciences
Classification: Uncertain significance for SEMA3E-related condition. Last evaluated: 2025-04-22. Review status: criteria provided, single submitter. Criteria: ACMG Guidelines, 2015. Collection method: clinical testing. Allele origin: germline.
Comment: The SEMA3E c.316A>G variant is predicted to result in the amino acid substitution p.Ile106Val. To our knowledge, this variant has not been reported in the literature. This variant is reported in 0.0040% of alleles in individuals of African descent in gnomAD. At this time, the clinical significance of this variant is uncertain due to the absence of conclusive functional and genetic evidence.